The following is an entry in ClinVar:

ClinVar aggregate classification (germline): Uncertain significance (1 of 4 stars; one submission).

gnomAD v4.1: 1 of 1,614,052 alleles (0.000062%); highest among the groups gnomAD compares: Non-Finnish European, 0.000085%; no homozygotes.

Submission:

GeneDx
Classification: Uncertain significance. Last evaluated: 2023-06-22. Review status: criteria provided, single submitter. Criteria: GeneDx Variant Classification Process June 2021. Collection method: clinical testing. Allele origin: germline. Affected: yes.
Comment: Not observed at significant frequency in large population cohorts (gnomAD); In silico analysis supports that this missense variant has a deleterious effect on protein structure/function; Has not been previously published as pathogenic or benign to our knowledge

NM_004958.4(MTOR):c.1455C>G (p.Cys485Trp)

Gene: MTOR (mechanistic target of rapamycin kinase; minus strand). Cytogenetic location: 1p36.22.
Variant type: single nucleotide variant.
Coding change: c.1455C>G on transcript NM_004958.4 (MANE Select); coding-DNA position 1455, C replaced by G.
Protein change: p.Cys485Trp; replaces cysteine 485 with tryptophan.
Molecular consequence: missense variant.
Genome position (GRCh38, 1-based): chr1:11,241,639, G>C on the plus strand (C>G on the coding strand, the complement: MTOR is on the minus strand). VCF-style: chr1-11241639-G-C. GRCh37 (hg19) VCF-style: chr1-11301696-G-C.
Other names: c.1455C>G, p.Cys485Trp (NM_001386500.1); c.207C>G, p.Cys69Trp (NM_001386501.1); short protein forms C485W, C69W.
Identifiers: ClinVar variation 3360297 (VCV003360297.1).
Genomic context (GRCh38, chr1:11,241,639, plus strand): 5'-CAGCAGCTCCTTGATATCCTGCTGGATGCCTGGCCCCATTGCTCGAGCCAGCATGCTGAT[G>C]CAAGTGAAGACTGTGGCATCCACCTGCATTGCCTTCTGCCTCCTGTAGAGAAATGGAGAG-3'
Protein context (NP_004949.1, residues 475-495): AMQVDATVFT[Cys485Trp]ISMLARAMGP